The following is an entry in ClinVar:

ClinVar aggregate classification (germline): Uncertain significance (1 of 4 stars; one submission).

Allele frequency attached by ClinVar (database versions not stated): gnomAD exomes below 0.00001.

Submission:

Labcorp Genetics (formerly Invitae), Labcorp
Classification: Uncertain significance. Last evaluated: 2025-07-07. Review status: criteria provided, single submitter. Criteria: Invitae Variant Classification Sherloc (09022015). Collection method: clinical testing. Allele origin: germline.
Comment: This sequence change replaces glycine, which is neutral and non-polar, with glutamic acid, which is acidic and polar, at codon 741 of the PLOD2 protein (p.Gly741Glu). This variant is not present in population databases (gnomAD no frequency). This variant has not been reported in the literature in individuals affected with PLOD2-related conditions. ClinVar contains an entry for this variant (Variation ID: 1956364). Invitae Evidence Modeling of protein sequence and biophysical properties (such as structural, functional, and spatial information, amino acid conservation, physicochemical variation, residue mobility, and thermodynamic stability) indicates that this missense variant is expected to disrupt PLOD2 protein function with a positive predictive value of 80%. In summary, the available evidence is currently insufficient to determine the role of this variant in disease. Therefore, it has been classified as a Variant of Uncertain Significance.

NM_182943.3(PLOD2):c.2222G>A (p.Gly741Glu)

Gene: PLOD2 (procollagen-lysine,2-oxoglutarate 5-dioxygenase 2; minus strand). Cytogenetic location: 3q24.
Variant type: single nucleotide variant.
Coding change: c.2222G>A on transcript NM_182943.3 (MANE Select); coding-DNA position 2222, G replaced by A.
Protein change: p.Gly741Glu; replaces glycine 741 with glutamic acid.
Molecular consequence: missense variant.
Genome position (GRCh38, 1-based): chr3:146,070,772, C>T on the plus strand (G>A on the coding strand, the complement: PLOD2 is on the minus strand). VCF-style: chr3-146070772-C-T. GRCh37 (hg19) VCF-style: chr3-145788559-C-T.
Other names: c.2159G>A, p.Gly720Glu (NM_000935.3); short protein forms G720E, G741E.
Identifiers: ClinVar variation 1956364 (VCV001956364.5), dbSNP rs2473215752, ClinGen allele CA354881801.